The following is an entry in ClinVar:

ClinVar aggregate classification (germline): Uncertain significance (1 of 4 stars; one submission).

Allele frequency attached by ClinVar (database versions not stated): TOPMed below 0.00001.

Submission:

Labcorp Genetics (formerly Invitae), Labcorp
Classification: Uncertain significance. Last evaluated: 2022-08-03. Review status: criteria provided, single submitter. Criteria: Invitae Variant Classification Sherloc (09022015). Collection method: clinical testing. Allele origin: germline.
Comment: Algorithms developed to predict the effect of missense changes on protein structure and function are either unavailable or do not agree on the potential impact of this missense change (SIFT: "Deleterious"; PolyPhen-2: "Probably Damaging"; Align-GVGD: "Class C15"). This variant has not been reported in the literature in individuals affected with MFSD2A-related conditions. This variant is not present in population databases (gnomAD no frequency). This sequence change replaces methionine, which is neutral and non-polar, with valine, which is neutral and non-polar, at codon 200 of the MFSD2A protein (p.Met200Val). In summary, the available evidence is currently insufficient to determine the role of this variant in disease. Therefore, it has been classified as a Variant of Uncertain Significance.

NM_032793.5(MFSD2A):c.559A>G (p.Met187Val)

Gene: MFSD2A (MFSD2 lysolipid transporter A, lysophospholipid; plus strand). Cytogenetic location: 1p34.2.
Variant type: single nucleotide variant.
Coding change: c.559A>G on transcript NM_032793.5 (MANE Select); coding-DNA position 559, A replaced by G.
Protein change: p.Met187Val; replaces methionine 187 with valine.
Molecular consequence: missense variant. On other transcripts: non-coding transcript variant (1).
Genome position (GRCh38, 1-based): chr1:39,965,859, A>G. VCF-style: chr1-39965859-A-G. GRCh37 (hg19) VCF-style: chr1-40431531-A-G.
Other names: c.598A>G, p.Met200Val (NM_001136493.3); c.91A>G, p.Met31Val (NM_001287808.2); c.448A>G, p.Met150Val (NM_001287809.2); c.553A>G, p.Met185Val (NM_001349821.2); c.559A>G, p.Met187Val (NM_001349822.2); c.214A>G, p.Met72Val (NM_001349823.2); short protein forms M185V, M187V, M200V, M31V, M150V, M72V.
Identifiers: ClinVar variation 1963496 (VCV001963496.5), dbSNP rs1451581366, ClinGen allele CA339835270.
Genomic context (GRCh38, chr1:39,965,859, plus strand): 5'-CCTCCCTGGGCCCACAATCCATGAGGCCCCTCCAAAACACCTCCTTTTCTCCTGCCAGGG[A>G]TGACTGTGGAAGTGCTGGGCACAGTGCTGGGCACGGCGATCCAGGGACAAATCGTGGGCC-3'
Protein context (NP_116182.2, residues 177-197): TERDSATAYR[Met187Val]TVEVLGTVLG